The following is an entry in ClinVar:

ClinVar aggregate classification (germline): Uncertain significance (1 of 4 stars; one submission).

Submission:

Labcorp Genetics (formerly Invitae), Labcorp
Classification: Uncertain significance. Last evaluated: 2022-11-28. Review status: criteria provided, single submitter. Criteria: Invitae Variant Classification Sherloc (09022015). Collection method: clinical testing. Allele origin: germline.
Comment: This sequence change replaces alanine, which is neutral and non-polar, with proline, which is neutral and non-polar, at codon 327 of the BACH2 protein (p.Ala327Pro). The frequency data for this variant in the population databases is considered unreliable, as metrics indicate poor data quality at this position in the gnomAD database. This variant has not been reported in the literature in individuals affected with BACH2-related conditions. Advanced modeling of protein sequence and biophysical properties (such as structural, functional, and spatial information, amino acid conservation, physicochemical variation, residue mobility, and thermodynamic stability) performed at Invitae indicates that this missense variant is not expected to disrupt BACH2 protein function. In summary, the available evidence is currently insufficient to determine the role of this variant in disease. Therefore, it has been classified as a Variant of Uncertain Significance.

NM_021813.4(BACH2):c.979G>C (p.Ala327Pro)

Gene: BACH2 (BACH transcriptional regulator 2; minus strand). Cytogenetic location: 6q15.
Variant type: single nucleotide variant.
Coding change: c.979G>C on transcript NM_021813.4 (MANE Select); coding-DNA position 979, G replaced by C.
Protein change: p.Ala327Pro; replaces alanine 327 with proline.
Molecular consequence: missense variant.
Genome position (GRCh38, 1-based): chr6:89,951,127, C>G on the plus strand (G>C on the coding strand, the complement: BACH2 is on the minus strand). VCF-style: chr6-89951127-C-G. GRCh37 (hg19) VCF-style: chr6-90660846-C-G.
Other names: c.979G>C, p.Ala327Pro (NM_001170794.2); short protein forms A327P.
Identifiers: ClinVar variation 2816895 (VCV002816895.3), dbSNP rs778156516, ClinGen allele CA3928063.